The following is an entry in ClinVar:

ClinVar aggregate classification (germline): Uncertain significance (1 of 4 stars; one submission).

Allele frequency attached by ClinVar (database versions not stated): gnomAD exomes below 0.00001.
gnomAD v4.1: 1 of 1,613,294 alleles (0.000062%); highest among the groups gnomAD compares: Non-Finnish European, 0.000085%; no homozygotes.

Submission:

Labcorp Genetics (formerly Invitae), Labcorp
Classification: Uncertain significance. Last evaluated: 2024-03-07. Review status: criteria provided, single submitter. Criteria: Invitae Variant Classification Sherloc (09022015). Collection method: clinical testing. Allele origin: germline.
Comment: This sequence change replaces proline, which is neutral and non-polar, with serine, which is neutral and polar, at codon 1887 of the PCLO protein (p.Pro1887Ser). This variant is not present in population databases (gnomAD no frequency). This variant has not been reported in the literature in individuals affected with PCLO-related conditions. ClinVar contains an entry for this variant (Variation ID: 1719936). Experimental studies and prediction algorithms are not available or were not evaluated, and the functional significance of this variant is currently unknown. In summary, the available evidence is currently insufficient to determine the role of this variant in disease. Therefore, it has been classified as a Variant of Uncertain Significance.

NM_033026.6(PCLO):c.5659C>T (p.Pro1887Ser)

Gene: PCLO (piccolo presynaptic cytomatrix protein; minus strand). Cytogenetic location: 7q21.11.
Variant type: single nucleotide variant.
Coding change: c.5659C>T on transcript NM_033026.6 (MANE Select); coding-DNA position 5659, C replaced by T.
Protein change: p.Pro1887Ser; replaces proline 1887 with serine.
Molecular consequence: missense variant.
Genome position (GRCh38, 1-based): chr7:82,955,294, G>A on the plus strand (C>T on the coding strand, the complement: PCLO is on the minus strand). VCF-style: chr7-82955294-G-A. GRCh37 (hg19) VCF-style: chr7-82584610-G-A.
Other names: c.5659C>T, p.Pro1887Ser (NM_014510.3); short protein forms P1887S.
Identifiers: ClinVar variation 1719936 (VCV001719936.5), dbSNP rs2535706084, ClinGen allele CA367923687.
Genomic context (GRCh38, chr7:82,955,294, plus strand): 5'-TACCTTCTTTCTGCATAATAGATTGCTCATCTGTTGGTGAGTATAATGAAACAGCTGTGG[G>A]CAATTTATAAACTTTTTGTACTTCTATTATTTTTTCCGGGCTTATTTCAAAACCTTCTGG-3'
Protein context (NP_149015.2, residues 1877-1897): IIEVQKVYKL[Pro1887Ser]TAVSLYSPTD